The following is an entry in ClinVar:

ClinVar aggregate classification (germline): Likely benign. Review status: criteria provided, single submitter (1 of 4 stars). 2 submissions from 2 submitters: Likely benign (1). 1 of the submissions does not count toward it. Last evaluated 2024-10-22.

Conditions:
LRP1-related disorder. Also called: LRP1-related condition.

Allele frequency attached by ClinVar (database versions not stated): 1000 Genomes Project 30x 0.00062; 1000 Genomes Project 0.00080; gnomAD 0.00100; TOPMed 0.00110; ESP Exome Variant Server 0.00115.
gnomAD v4.1: 272 of 1,614,072 alleles (0.017%); highest among the groups gnomAD compares: African/African-American, 0.34%; no homozygotes.

Submissions (2):

Blueprint Genetics
Classification: Likely benign. Last evaluated: 2024-10-22. Review status: criteria provided, single submitter. Criteria: ACMG Guidelines, 2015. Collection method: clinical testing. Allele origin: germline.

PreventionGenetics, part of Exact Sciences
Classification: Likely benign for LRP1-related condition. Last evaluated: 2020-01-02. Review status: no assertion criteria provided. Collection method: clinical testing. Allele origin: germline. Not counted in ClinVar's aggregate classification.
Comment: This variant is classified as likely benign based on ACMG/AMP sequence variant interpretation guidelines (Richards et al. 2015 PMID: 25741868, with internal and published modifications).

NM_002332.3(LRP1):c.9120C>A (p.Arg3040=)

Gene: LRP1 (LDL receptor related protein 1; plus strand). Cytogenetic location: 12q13.3.
Variant type: single nucleotide variant.
Coding change: c.9120C>A on transcript NM_002332.3 (MANE Select); coding-DNA position 9120, C replaced by A.
Protein change: p.Arg3040=; no amino-acid change (arginine 3040 retained).
Molecular consequence: synonymous variant.
Genome position (GRCh38, 1-based): chr12:57,197,342, C>A. VCF-style: chr12-57197342-C-A. GRCh37 (hg19) VCF-style: chr12-57591125-C-A.
Identifiers: ClinVar variation 3042062 (VCV003042062.3), dbSNP rs151021372, ClinGen allele CA6644604.